The following is an entry in ClinVar:

NM_000466.3(PEX1):c.1975G>T (p.Val659Phe)

Gene: PEX1 (peroxisomal biogenesis factor 1; minus strand). Cytogenetic location: 7q21.2.
Variant type: single nucleotide variant.
Coding change: c.1975G>T on transcript NM_000466.3 (MANE Select); coding-DNA position 1975, G replaced by T.
Protein change: p.Val659Phe; replaces valine 659 with phenylalanine.
Molecular consequence: missense variant. On other transcripts: intron variant (1).
Genome position (GRCh38, 1-based): chr7:92,504,828, C>A on the plus strand (G>T on the coding strand, the complement: PEX1 is on the minus strand). VCF-style: chr7-92504828-C-A. GRCh37 (hg19) VCF-style: chr7-92134142-C-A.
Other names: p.Val659Phe; c.1351G>T, p.Val451Phe (NM_001282678.2); c.1900+1420G>T (NM_001282677.2); short protein forms V659F, V451F.
Identifiers: ClinVar variation 289197 (VCV000289197.20), dbSNP rs193221288, ClinGen allele CA4341248.

ClinVar aggregate classification (germline): Uncertain significance. Review status: criteria provided, multiple submitters, no conflicts (2 of 4 stars). 8 submissions from 8 submitters: Uncertain significance (6). 2 of the submissions do not count toward it. Last evaluated 2024-07-16.

Conditions:
PEX1-related disorder. Also called: PEX1-related condition.
Zellweger spectrum disorders (ZS). Also called: Zellweger Spectrum Disorder; Zellweger Spectrum; Zellweger syndrome; Zellweger Spectrum Disorder (ZSD). Identifiers: Orphanet 912, MedGen C0043459, MONDO:0019609.
Inborn genetic diseases. Identifiers: MedGen C0950123, MeSH D030342.

Allele frequency attached by ClinVar (database versions not stated): 1000 Genomes Project 30x 0.00016; TOPMed 0.00016; 1000 Genomes Project 0.00020; ESP Exome Variant Server 0.00023.

Submissions (8):

Blueprint Genetics
Classification: Uncertain significance. Last evaluated: 2024-07-16. Review status: criteria provided, single submitter. Criteria: ACMG Guidelines, 2015. Collection method: clinical testing. Allele origin: germline.

Ambry Genetics
Classification: Uncertain significance for Inborn genetic diseases. Last evaluated: 2024-07-14. Review status: criteria provided, single submitter. Criteria: Ambry Variant Classification Scheme 2023. Collection method: clinical testing. Allele origin: germline.

Labcorp Genetics (formerly Invitae), Labcorp
Classification: Uncertain significance for Zellweger spectrum disorders. Last evaluated: 2022-11-01. Review status: criteria provided, single submitter. Criteria: Invitae Variant Classification Sherloc (09022015). Collection method: clinical testing. Allele origin: germline.
Comment: This sequence change replaces valine, which is neutral and non-polar, with phenylalanine, which is neutral and non-polar, at codon 659 of the PEX1 protein (p.Val659Phe). The frequency data for this variant in the population databases is considered unreliable, as metrics indicate poor data quality at this position in the gnomAD database. This variant has not been reported in the literature in individuals affected with PEX1-related conditions. ClinVar contains an entry for this variant (Variation ID: 289197). Advanced modeling of protein sequence and biophysical properties (such as structural, functional, and spatial information, amino acid conservation, physicochemical variation, residue mobility, and thermodynamic stability) performed at Invitae indicates that this missense variant is not expected to disrupt PEX1 protein function. In summary, the available evidence is currently insufficient to determine the role of this variant in disease. Therefore, it has been classified as a Variant of Uncertain Significance.

Mayo Clinic Laboratories, Mayo Clinic
Classification: Uncertain significance. Last evaluated: 2021-10-25. Review status: criteria provided, single submitter. Criteria: ACMG Guidelines, 2015. Collection method: clinical testing. Allele origin: germline.

Eurofins Ntd Llc (ga)
Classification: Uncertain significance. Last evaluated: 2017-08-08. Review status: criteria provided, single submitter. Criteria: EGL Classification Definitions 2015. Collection method: clinical testing. Allele origin: germline. Observed: 3 variant alleles, 3 heterozygotes.

Breakthrough Genomics
Classification: Uncertain significance. Review status: criteria provided, single submitter. Criteria: ACMG Guidelines, 2015. Collection method: not provided. Allele origin: germline. Inheritance: Autosomal recessive inheritance. Affected: yes.

PreventionGenetics, part of Exact Sciences
Classification: Uncertain significance for PEX1-related condition. Last evaluated: 2024-07-02. Review status: no assertion criteria provided. Collection method: clinical testing. Allele origin: germline. Not counted in ClinVar's aggregate classification.
Comment: The PEX1 c.1975G>T variant is predicted to result in the amino acid substitution p.Val659Phe. To our knowledge, this variant has not been reported in the literature. This variant is reported in 0.044% of alleles in individuals of African descent in gnomAD. At this time, the clinical significance of this variant is uncertain due to the absence of conclusive functional and genetic evidence.

Natera, Inc.
Classification: Uncertain significance for Zellweger syndrome. Last evaluated: 2018-06-26. Review status: no assertion criteria provided. Collection method: clinical testing. Allele origin: germline. Not counted in ClinVar's aggregate classification.